The following is an entry in ClinVar:

ClinVar aggregate classification (germline): Uncertain significance. Review status: criteria provided, multiple submitters, no conflicts (2 of 4 stars). 2 submissions from 2 submitters: Uncertain significance (2). Last evaluated 2024-11-13.

Conditions:
Inborn genetic diseases. Identifiers: MedGen C0950123, MeSH D030342.

Allele frequency attached by ClinVar (database versions not stated): gnomAD exomes below 0.00001; TOPMed 0.00001.
gnomAD v4.1: 4 of 1,614,202 alleles (0.00025%); highest among the groups gnomAD compares: Non-Finnish European, 0.00034%; no homozygotes.

Submissions (2):

Ambry Genetics
Classification: Uncertain significance for Inborn genetic diseases. Last evaluated: 2024-11-13. Review status: criteria provided, single submitter. Criteria: Ambry Variant Classification Scheme 2023. Collection method: clinical testing. Allele origin: germline.

Labcorp Genetics (formerly Invitae), Labcorp
Classification: Uncertain significance. Last evaluated: 2021-10-05. Review status: criteria provided, single submitter. Criteria: Invitae Variant Classification Sherloc (09022015). Collection method: clinical testing. Allele origin: germline.
Comment: This sequence change replaces glutamic acid with valine at codon 246 of the TK2 protein (p.Glu246Val). The glutamic acid residue is moderately conserved and there is a moderate physicochemical difference between glutamic acid and valine. This variant is not present in population databases (ExAC no frequency). This variant has not been reported in the literature in individuals affected with TK2-related conditions. Algorithms developed to predict the effect of missense changes on protein structure and function (SIFT, PolyPhen-2, Align-GVGD) all suggest that this variant is likely to be tolerated. In summary, the available evidence is currently insufficient to determine the role of this variant in disease. Therefore, it has been classified as a Variant of Uncertain Significance.

NM_004614.5(TK2):c.737A>T (p.Glu246Val)

Gene: TK2 (thymidine kinase 2; minus strand). Cytogenetic location: 16q21.
Variant type: single nucleotide variant.
Coding change: c.737A>T on transcript NM_004614.5 (MANE Select); coding-DNA position 737, A replaced by T.
Protein change: p.Glu246Val; replaces glutamic acid 246 with valine.
Molecular consequence: missense variant. On other transcripts: 3 prime UTR variant (1), non-coding transcript variant (1).
Genome position (GRCh38, 1-based): chr16:66,512,029, T>A on the plus strand (A>T on the coding strand, the complement: TK2 is on the minus strand). VCF-style: chr16-66512029-T-A. GRCh37 (hg19) VCF-style: chr16-66545932-T-A.
Other names: c.644A>T, p.Glu215Val (NM_001172643.1); c.662A>T, p.Glu221Val (NM_001172644.2); c.683A>T, p.Glu228Val (NM_001172645.2); c.590A>T, p.Glu197Val (NM_001271934.2); c.*34A>T (NM_001271935.1); c.446A>T, p.Glu149Val (NM_001272050.2); c.737A>T (NM_004614.4); short protein forms E221V, E197V, E149V, E246V, E215V, E228V.
Identifiers: ClinVar variation 1423824 (VCV001423824.4), dbSNP rs1315877736, ClinGen allele CA396186680.
Genomic context (GRCh38, chr16:66,512,029, plus strand): 5'-TATGGGCAATGCTTCCGATTCTCTGGAGTTAATATTCGATCCCGATTTTGTTCAAAGAGT[T>A]CTAACATCCTCTCCATGTGGTGGTCAGCCTCAATCACCTGGAAATTAGACACATGGGTCA-3'
Protein context (NP_004605.4, residues 236-256): EADHHMERML[Glu246Val]LFEQNRDRIL